The following is an entry in ClinVar:

NM_014363.6(SACS):c.4639dup (p.Arg1547fs)

Gene: SACS (sacsin molecular chaperone; minus strand). Cytogenetic location: 13q12.12.
Variant type: Duplication.
Coding change: c.4639dup on transcript NM_014363.6 (MANE Select); coding-DNA position 4639, one base duplicated (A; older notation c.4639dupA).
Protein change: p.Arg1547fs; shifts the reading frame from arginine 1547.
Molecular consequence: frameshift variant.
Genome position (GRCh38, 1-based): chr13:23,339,237, T duplicated on the plus strand (A on the coding strand, the reverse complement: SACS is on the minus strand); the first of 5 consecutive T bases (chr13:23,339,237-23,339,241); duplicating any one gives the same sequence. VCF-style (leftmost placement, unchanged base first): chr13-23339236-C-CT. GRCh37 (hg19) VCF-style: chr13-23913375-C-CT.
Other names: c.4198dup, p.Arg1400fs (NM_001278055.2); short protein forms R1547fs, R1400fs.
Identifiers: ClinVar variation 2855967 (VCV002855967.3), dbSNP rs2542279148, ClinGen allele CA2739277472.

ClinVar aggregate classification (germline): Pathogenic (1 of 4 stars; one submission).

Conditions:
Spastic paraplegia. Identifiers: MedGen C0037772, HP:0001258.

Submission:

Labcorp Genetics (formerly Invitae), Labcorp
Classification: Pathogenic for Spastic paraplegia. Last evaluated: 2023-04-13. Review status: criteria provided, single submitter. Criteria: Invitae Variant Classification Sherloc (09022015). Collection method: clinical testing. Allele origin: germline.
Comment: For these reasons, this variant has been classified as Pathogenic. This variant disrupts a region of the SACS protein in which other variant(s) (p.Arg3903*) have been determined to be pathogenic (PMID: 19892370, 21745802). This suggests that this is a clinically significant region of the protein, and that variants that disrupt it are likely to be disease-causing. This variant has not been reported in the literature in individuals affected with SACS-related conditions. This variant is not present in population databases (gnomAD no frequency). This sequence change creates a premature translational stop signal (p.Arg1547Lysfs*5) in the SACS gene. While this is not anticipated to result in nonsense mediated decay, it is expected to disrupt the last 3033 amino acid(s) of the SACS protein.

Literature cited by the submitters: PubMed 19892370; PubMed 21745802.